The following is an entry in ClinVar:

NM_000092.5(COL4A4):c.1108G>C (p.Gly370Arg)

Gene: COL4A4 (collagen type IV alpha 4 chain; minus strand). Cytogenetic location: 2q36.3.
Variant type: single nucleotide variant.
Coding change: c.1108G>C on transcript NM_000092.5 (MANE Select); coding-DNA position 1108, G replaced by C.
Protein change: p.Gly370Arg; replaces glycine 370 with arginine.
Molecular consequence: missense variant.
Genome position (GRCh38, 1-based): chr2:227,098,790, C>G on the plus strand (G>C on the coding strand, the complement: COL4A4 is on the minus strand). VCF-style: chr2-227098790-C-G. GRCh37 (hg19) VCF-style: chr2-227963506-C-G.
Other names: short protein forms G370R.
Identifiers: ClinVar variation 3009917 (VCV003009917.3), dbSNP rs1559617617, ClinGen allele CA350854334.
Genomic context (GRCh38, chr2:227,098,790, plus strand): 5'-GGGGACCAGGTGGTCCAACATCCCCTGTTTCTCCATAGCGGCCAGGGAACCCTGGGTCCC[C>G]TGGTGGGCCTGCCAAAGATAATGGTACATGAGAATAAACAAATGGTATGTGCATTTTAAA-3'
Protein context (NP_000083.3, residues 360-380): TPPLPLKGPP[Gly370Arg]DPGFPGRYGE

ClinVar aggregate classification (germline): Likely pathogenic (1 of 4 stars; one submission).

gnomAD v4.1: 1 of 1,613,716 alleles (0.000062%); highest among the groups gnomAD compares: East Asian, 0.0022%; no homozygotes.

Submission:

Labcorp Genetics (formerly Invitae), Labcorp
Classification: Likely pathogenic. Last evaluated: 2022-11-29. Review status: criteria provided, single submitter. Criteria: Invitae Variant Classification Sherloc (09022015). Collection method: clinical testing. Allele origin: germline.
Comment: In summary, the currently available evidence indicates that the variant is pathogenic, but additional data are needed to prove that conclusively. Therefore, this variant has been classified as Likely Pathogenic. This variant disrupts the p.Gly370 amino acid residue in COL4A4. Other variant(s) that disrupt this residue have been determined to be pathogenic (PMID: 24033287, 30808327). This suggests that this residue is clinically significant, and that variants that disrupt this residue are likely to be disease-causing. Advanced modeling of protein sequence and biophysical properties (such as structural, functional, and spatial information, amino acid conservation, physicochemical variation, residue mobility, and thermodynamic stability) performed at Invitae indicates that this missense variant is expected to disrupt COL4A4 protein function. This missense change has been observed in individual(s) with Alport syndrome (PMID: 32939031). This variant is not present in population databases (gnomAD no frequency). This sequence change replaces glycine, which is neutral and non-polar, with arginine, which is basic and polar, at codon 370 of the COL4A4 protein (p.Gly370Arg).

Literature cited by the submitters: PubMed 24033287; PubMed 30808327; PubMed 32939031.